The following is an entry in ClinVar:

NM_013275.6(ANKRD11):c.2341G>A (p.Asp781Asn)

Gene: ANKRD11 (ankyrin repeat domain 11; minus strand). Cytogenetic location: 16q24.3.
Variant type: single nucleotide variant.
Coding change: c.2341G>A on transcript NM_013275.6 (MANE Select); coding-DNA position 2341, G replaced by A.
Protein change: p.Asp781Asn; replaces aspartic acid 781 with asparagine.
Molecular consequence: missense variant.
Genome position (GRCh38, 1-based): chr16:89,284,201, C>T on the plus strand (G>A on the coding strand, the complement: ANKRD11 is on the minus strand). VCF-style: chr16-89284201-C-T. GRCh37 (hg19) VCF-style: chr16-89350609-C-T.
Other names: c.2341G>A, p.Asp781Asn (NM_001256182.2, NM_001256183.2); short protein forms D781N.
Identifiers: ClinVar variation 1008379 (VCV001008379.8), dbSNP rs2034484200, ClinGen allele CA397162640.

ClinVar aggregate classification (germline): Uncertain significance (1 of 4 stars; one submission).

Conditions:
KBG syndrome (KBGS). Also called: ANKRD11-Related KBG Syndrome. Identifiers: Orphanet 2332, MedGen C0220687, MONDO:0007846, OMIM 148050.

gnomAD v4.1: 1 of 1,611,172 alleles (0.000062%); highest among the groups gnomAD compares: South Asian, 0.0011%; no homozygotes.

Submission:

Labcorp Genetics (formerly Invitae), Labcorp
Classification: Uncertain significance for KBG syndrome. Last evaluated: 2020-02-27. Review status: criteria provided, single submitter. Criteria: Invitae Variant Classification Sherloc (09022015). Collection method: clinical testing. Allele origin: germline.
Comment: In summary, the available evidence is currently insufficient to determine the role of this variant in disease. Therefore, it has been classified as a Variant of Uncertain Significance. Algorithms developed to predict the effect of missense changes on protein structure and function are either unavailable or do not agree on the potential impact of this missense change (SIFT: "Deleterious"; PolyPhen-2: "Probably Damaging"; Align-GVGD: "Class C0"). This variant has not been reported in the literature in individuals with ANKRD11-related conditions. This variant is not present in population databases (ExAC no frequency). This sequence change replaces aspartic acid with asparagine at codon 781 of the ANKRD11 protein (p.Asp781Asn). The aspartic acid residue is moderately conserved and there is a small physicochemical difference between aspartic acid and asparagine.